The following is an entry in ClinVar:

NM_001386795.1(DTNA):c.537G>T (p.Thr179=)

Gene: DTNA (dystrobrevin alpha; plus strand). Cytogenetic location: 18q12.1.
Variant type: single nucleotide variant.
Coding change: c.537G>T on transcript NM_001386795.1 (MANE Select); coding-DNA position 537, G replaced by T.
Protein change: p.Thr179=; no amino-acid change (threonine 179 retained).
Molecular consequence: synonymous variant.
Genome position (GRCh38, 1-based): chr18:34,812,047, G>T. VCF-style: chr18-34812047-G-T. GRCh37 (hg19) VCF-style: chr18-32392011-G-T.
Other names: p.T179T:ACG>ACT; c.537G>T, p.Thr179= (NM_001128175.2, NM_001198938.2, NM_001198939.2 and 35 more transcripts).
Identifiers: ClinVar variation 46426 (VCV000046426.25), dbSNP rs11877640, ClinGen allele CA138336.
Genomic context (GRCh38, chr18:34,812,047, plus strand): 5'-TGGGGTGATGGTTTATGGACGATATGACCAATTCCTTCGGGAAGTTCTCAAACTACCCAC[G>T]GCAGTTTTTGAAGGTCCTTCATTTGGTTACACAGAACAGTCAGCCAGATCCTGTTTCTCC-3'
Protein context (NP_001373724.1, residues 169-189): QFLREVLKLP[Thr179=]AVFEGPSFGY

ClinVar aggregate classification (germline): Benign. Review status: criteria provided, multiple submitters, no conflicts (2 of 4 stars). 5 submissions from 5 submitters: Benign (5). Last evaluated 2026-01-31.

Conditions:
Left ventricular noncompaction 1 (LVNC1). Also called: LEFT VENTRICULAR NONCOMPACTION 1 WITH OR WITHOUT CONGENITAL HEART DEFECTS. Identifiers: Orphanet 54260, MedGen C1858725, MONDO:0011403, OMIM 604169.

Allele frequency attached by ClinVar (database versions not stated): gnomAD 0.00956; 1000 Genomes Project 30x 0.00984; 1000 Genomes Project 0.00978; TOPMed 0.00998; ESP Exome Variant Server 0.01107.
gnomAD v4.1: 2,665 of 1,614,036 alleles (0.17%); highest among the groups gnomAD compares: African/African-American, 3.2%; 36 homozygotes.

Submissions (7):

Labcorp Genetics (formerly Invitae), Labcorp
Classification: Benign for Left ventricular noncompaction 1. Last evaluated: 2026-01-31. Review status: criteria provided, single submitter. Criteria: Invitae Variant Classification Sherloc (09022015). Collection method: clinical testing. Allele origin: germline.

ARUP Laboratories, Molecular Genetics and Genomics, ARUP Laboratories
Classification: Benign for Left ventricular noncompaction 1. Last evaluated: 2022-05-06. Review status: criteria provided, single submitter. Criteria: ARUP Molecular Germline Variant Investigation Process 2021. Collection method: clinical testing. Allele origin: germline.

GeneDx
Classification: Benign. Last evaluated: 2014-04-25. Review status: criteria provided, single submitter. Criteria: GeneDx Variant Classification (06012015). Collection method: clinical testing. Allele origin: germline. Affected: yes.
Comment: This variant is considered likely benign or benign based on one or more of the following criteria: it is a conservative change, it occurs at a poorly conserved position in the protein, it is predicted to be benign by multiple in silico algorithms, and/or has population frequency not consistent with disease.

Laboratory for Molecular Medicine, Mass General Brigham Personalized Medicine
Classification: Benign. Last evaluated: 2012-03-14. Review status: criteria provided, single submitter. Criteria: LMM Criteria. Collection method: clinical testing. Allele origin: germline. Observed: 14 variant alleles.
Comment: Thr179Thr in exon 7 of DTNA: This variant is not expected to have clinical signi ficance because it does not alter an amino acid residue, is not located within t he splice consensus sequence, and has been identified in 3.2% (121/3738) of Afri can American chromosomes from a broad population by the NHLBI Exome Sequencing P roject (dbSNP rs11877640).

Breakthrough Genomics
Classification: Benign. Review status: criteria provided, single submitter. Criteria: ACMG Guidelines, 2015. Collection method: not provided. Allele origin: germline. Inheritance: Autosomal dominant inheritance. Affected: yes.

Dr. Peter K. Rogan Lab, Western University
No classification provided (evidence only). Condition: Cervical cancer. Review status: no classification provided. Collection method: in vitro. Allele origin: not applicable. Functional consequence: retained intron. Not counted in ClinVar's aggregate classification.

Dr. Peter K. Rogan Lab, Western University
No classification provided (evidence only). Condition: Ovarian serous cystadenocarcinoma. Review status: no classification provided. Collection method: in vitro. Allele origin: not applicable. Functional consequence: retained intron. Not counted in ClinVar's aggregate classification.